The following is an entry in ClinVar:

ClinVar aggregate classification (germline): Benign (3 of 4 stars; one submission).

Conditions:
Breast-ovarian cancer, familial, susceptibility to, 2 (BROVCA2). Also called: BRCA2 Hereditary Breast and Ovarian Cancer. Identifiers: Orphanet 145, MedGen C2675520, MONDO:0012933, OMIM 612555. Disease mechanism: loss of function.

Allele frequency attached by ClinVar (database versions not stated): gnomAD 0.21737 and 0.21370; 1000 Genomes Project 30x 0.21939; 1000 Genomes Project 0.22524.

Submission:

Evidence-based Network for the Interpretation of Germline Mutant Alleles (ENIGMA)
Classification: Benign for Breast-ovarian cancer, familial, susceptibility to, 2. Last evaluated: 2016-09-28. Review status: reviewed by expert panel. Criteria: ENIGMA BRCA1/2 Classification Criteria (2015). Collection method: curation. Allele origin: germline.
Comment: Class 1 not pathogenic based on frequency >1% in an outbred sampleset. Frequency 0.2087 (European), 0.1838 (African), 0.2003 (Admixed American/Latino), 0.3661 (East Asian), 0.1708 (South Asian), derived from 1000 genomes (2013-05-02).

NM_000059.4(BRCA2):c.9256+6423_9256+6453del

Gene: BRCA2 (BRCA2 DNA repair associated; plus strand). Cytogenetic location: 13q13.1.
Variant type: Deletion.
Coding change: c.9256+6423_9256+6453del on transcript NM_000059.4 (MANE Select); bases 6423 to 6453 of the intron after coding-DNA position 9256, 31 bases deleted.
Molecular consequence: intron variant.
Genome position (GRCh38, 1-based): chr13:32,386,568-32,386,598, 31 bases deleted. GRCh37 (hg19): chr13:32,960,705-32,960,735.
Identifiers: ClinVar variation 264936 (VCV000264936.1), dbSNP rs56213495, ClinGen allele CA10588163.